The following is an entry in ClinVar:

NM_001122681.2(SH3BP2):c.1336G>A (p.Glu446Lys)

Gene: SH3BP2 (SH3 domain binding protein 2; plus strand). Cytogenetic location: 4p16.3.
Variant type: single nucleotide variant.
Coding change: c.1336G>A on transcript NM_001122681.2 (MANE Select); coding-DNA position 1336, G replaced by A.
Protein change: p.Glu446Lys; replaces glutamic acid 446 with lysine.
Molecular consequence: missense variant.
Genome position (GRCh38, 1-based): chr4:2,831,665, G>A. VCF-style: chr4-2831665-G-A. GRCh37 (hg19) VCF-style: chr4-2833392-G-A.
Other names: c.1420G>A, p.Glu474Lys (NM_001145855.2); c.1507G>A, p.Glu503Lys (NM_001145856.2); c.1336G>A, p.Glu446Lys (NM_003023.4); short protein forms E503K, E474K, E446K.
Identifiers: ClinVar variation 3953678 (VCV003953678.2).

ClinVar aggregate classification (germline): Uncertain significance. Review status: criteria provided, multiple submitters, no conflicts (2 of 4 stars). 2 submissions from 2 submitters: Uncertain significance (2). Last evaluated 2025-12-01.

Conditions:
Fibrous dysplasia of jaw (CRBM). Also called: Cherubism. Identifiers: Orphanet 184, MedGen C0008029, MONDO:0007315, OMIM 118400.
Inborn genetic diseases. Identifiers: MedGen C0950123, MeSH D030342.

gnomAD v4.1: 11 of 1,588,662 alleles (0.00069%); highest among the groups gnomAD compares: African/African-American, 0.004%; no homozygotes.

Submissions (2):

Labcorp Genetics (formerly Invitae), Labcorp
Classification: Uncertain significance for Fibrous dysplasia of jaw. Last evaluated: 2025-12-01. Review status: criteria provided, single submitter. Criteria: Invitae Variant Classification Sherloc (09022015). Collection method: clinical testing. Allele origin: germline.
Comment: This sequence change replaces glutamic acid, which is acidic and polar, with lysine, which is basic and polar, at codon 446 of the SH3BP2 protein (p.Glu446Lys). The frequency data for this variant in the population databases is considered unreliable, as metrics indicate poor data quality at this position in the gnomAD database. This variant has not been reported in the literature in individuals affected with SH3BP2-related conditions. ClinVar contains an entry for this variant (Variation ID: 3953678). Invitae Evidence Modeling of protein sequence and biophysical properties (such as structural, functional, and spatial information, amino acid conservation, physicochemical variation, residue mobility, and thermodynamic stability) indicates that this missense variant is not expected to disrupt SH3BP2 protein function with a negative predictive value of 95%. In summary, the available evidence is currently insufficient to determine the role of this variant in disease. Therefore, it has been classified as a Variant of Uncertain Significance.

Ambry Genetics
Classification: Uncertain significance for Inborn genetic diseases. Last evaluated: 2025-04-01. Review status: criteria provided, single submitter. Criteria: Ambry Variant Classification Scheme 2023. Collection method: clinical testing. Allele origin: germline.